The following is an entry in ClinVar:

ClinVar aggregate classification (germline): Uncertain significance (1 of 4 stars; one submission).

Submission:

Women's Health and Genetics/Laboratory Corporation of America, LabCorp
Classification: Uncertain significance. Last evaluated: 2026-03-19. Review status: criteria provided, single submitter. Criteria: LabCorp Variant Classification Summary - May 2015. Collection method: clinical testing. Allele origin: germline.
Comment: Variant summary: CAMK2A c.1047C>G (p.Ile349Met) results in a conservative amino acid change in the encoded protein sequence. Algorithms developed to predict the effect of missense changes on protein structure and function are either unavailable or do not agree on the potential impact of this missense change. The variant was absent in 240348 control chromosomes. The available data on variant occurrences in the general population are insufficient to allow any conclusion about variant significance. To our knowledge, no occurrence of c.1047C>G in individuals affected with CAMK2A-related conditions and no experimental evidence demonstrating its impact on protein function have been reported. No submitters have cited clinical-significance assessments for this variant to ClinVar. Based on the evidence outlined above, the variant was classified as uncertain significance.

NM_015981.4(CAMK2A):c.1047C>G (p.Ile349Met)

Gene: CAMK2A (calcium/calmodulin dependent protein kinase II alpha; minus strand). Cytogenetic location: 5q32.
Variant type: single nucleotide variant.
Coding change: c.1047C>G on transcript NM_015981.4 (MANE Select); coding-DNA position 1047, C replaced by G.
Protein change: p.Ile349Met; replaces isoleucine 349 with methionine.
Molecular consequence: missense variant.
Genome position (GRCh38, 1-based): chr5:150,238,719, G>C on the plus strand (C>G on the coding strand, the complement: CAMK2A is on the minus strand). VCF-style: chr5-150238719-G-C. GRCh37 (hg19) VCF-style: chr5-149618282-G-C.
Other names: c.1047C>G, p.Ile349Met (NM_001363989.1); c.1014C>G, p.Ile338Met (NM_001363990.1, NM_001369025.2, NM_171825.3); short protein forms I338M, I349M.
Identifiers: ClinVar variation 4847085 (VCV004847085.1).